The following is an entry in ClinVar:

ClinVar aggregate classification (germline): Likely benign. Review status: criteria provided, multiple submitters, no conflicts (2 of 4 stars). 2 submissions from 2 submitters: Likely benign (2). Last evaluated 2022-08-01.

Allele frequency attached by ClinVar (database versions not stated): TOPMed 0.00001; gnomAD exomes 0.00002.

Submissions (2):

CeGaT Center for Human Genetics Tuebingen
Classification: Likely benign. Last evaluated: 2022-08-01. Review status: criteria provided, single submitter. Criteria: CeGaT Center For Human Genetics Tuebingen Variant Classification Criteria Version 2. Collection method: clinical testing. Allele origin: germline. Affected: yes. Observed: 1 variant allele.
Comment: KIF1C: BP4, BP7

GeneDx
Classification: Likely benign. Last evaluated: 2016-11-11. Review status: criteria provided, single submitter. Criteria: GeneDx Variant Classification (06012015). Collection method: clinical testing. Allele origin: germline. Affected: yes.
Comment: This variant is considered likely benign or benign based on one or more of the following criteria: it is a conservative change, it occurs at a poorly conserved position in the protein, it is predicted to be benign by multiple in silico algorithms, and/or has population frequency not consistent with disease.

NM_006612.6(KIF1C):c.2376C>T (p.Pro792=)

Gene: KIF1C (kinesin family member 1C; plus strand). Cytogenetic location: 17p13.2.
Variant type: single nucleotide variant.
Coding change: c.2376C>T on transcript NM_006612.6 (MANE Select); coding-DNA position 2376, C replaced by T.
Protein change: p.Pro792=; no amino-acid change (proline 792 retained).
Molecular consequence: synonymous variant.
Genome position (GRCh38, 1-based): chr17:5,022,457, C>T. VCF-style: chr17-5022457-C-T. GRCh37 (hg19) VCF-style: chr17-4925752-C-T.
Identifiers: ClinVar variation 390904 (VCV000390904.25), dbSNP rs1057523918, ClinGen allele CA16607375.